The following is an entry in ClinVar:

NC_000016.9:g.(?_3293141)_(5971108_?)dup

Genes: ADCY9 (adenylate cyclase 9; minus strand), ALG1 (ALG1 chitobiosyldiphosphodolichol beta-mannosyltransferase; plus strand), ANKS3 (ankyrin repeat and sterile alpha motif domain containing 3; minus strand), C16orf89 (chromosome 16 open reading frame 89; minus strand), C16orf90 (chromosome 16 open reading frame 90; minus strand) and 42 more. Cytogenetic location: 16p13.3.
Variant type: Duplication.
Identifiers: ClinVar variation 2425098 (VCV002425098.1).

ClinVar aggregate classification (germline): Uncertain significance (1 of 4 stars; one submission).

Conditions:
Rubinstein-Taybi syndrome (RSTS). Identifiers: Orphanet 783, MedGen C0035934, MONDO:0019188.

Submission:

Labcorp Genetics (formerly Invitae), Labcorp
Classification: Uncertain significance for Rubinstein-Taybi syndrome. Last evaluated: 2022-10-13. Review status: criteria provided, single submitter. Criteria: Invitae Variant Classification Sherloc (09022015). Collection method: clinical testing. Allele origin: germline.
Comment: A copy number gain of the genomic region encompassing the full coding sequence of the CREBBP gene has been identified. The boundaries of this event are unknown as they extend beyond the assayed region for this gene and therefore may encompass additional genes. As the precise location of this event is unknown, it may be in tandem or it may be located elsewhere in the genome. Isolated whole-gene copy number gains of CREBBP have not been reported in the literature. However, larger copy number events that include this gene have been reported (PMID: 18688873, 19833603, 21302340, 22307725, 22664659, 23063576). In summary, the available evidence is currently insufficient to determine the role of this variant in disease. Therefore, it has been classified as a Variant of Uncertain Significance.

Literature cited by the submitters: PubMed 18688873; PubMed 19833603; PubMed 21302340; PubMed 22307725; PubMed 22664659; PubMed 23063576.